The following is an entry in ClinVar:

ClinVar aggregate classification (germline): Benign (0 of 4 stars; one submission).

Conditions:
POLR1C-related disorder. Also called: POLR1C-related condition; POLR1C-related disorders. Identifiers: MedGen CN239394, MONDO:0700278.

Allele frequency attached by ClinVar (database versions not stated): gnomAD exomes 0.00048; ExAC 0.00212; gnomAD 0.00533; ESP Exome Variant Server 0.00561; 1000 Genomes Project 0.00579.

Submission:

PreventionGenetics, part of Exact Sciences
Classification: Benign for POLR1C-related condition. Last evaluated: 2019-04-08. Review status: no assertion criteria provided. Collection method: clinical testing. Allele origin: germline.
Comment: This variant is classified as benign based on ACMG/AMP sequence variant interpretation guidelines (Richards et al. 2015 PMID: 25741868, with internal and published modifications).

NM_001318876.2(POLR1C):c.1024_1025insT (p.Gly342fs)

Genes: POLR1C (RNA polymerase I and III subunit C; plus strand), XPO5 (exportin 5; minus strand). Cytogenetic location: 6p21.1.
Variant type: Insertion.
Coding change: c.1024_1025insT on transcript NM_001318876.2; coding-DNA positions 1024 to 1025, T inserted.
Protein change: p.Gly342fs; shifts the reading frame from glycine 342.
Molecular consequence: frameshift variant. On other transcripts: intron variant (2).
Genome position: GRCh38 VCF-style: chr6-43529350-G-GT. GRCh37 (hg19) VCF-style: chr6-43497088-G-GT.
Other names: c.922+8302_922+8303insT (NM_001363658.2); c.2678-426_2678-425insA (NM_020750.3); short protein forms G342fs.
Identifiers: ClinVar variation 3056369 (VCV003056369.2), dbSNP rs143794012, ClinGen allele CA3826050.